The following is an entry in ClinVar:

ClinVar aggregate classification (germline): Likely pathogenic (1 of 4 stars; one submission).

Conditions:
Lethal multiple pterygium syndrome (LMPS). Identifiers: Orphanet 33108, MedGen C1854678, MONDO:0009668, OMIM 253290.

Submission:

Women's Health and Genetics/Laboratory Corporation of America, LabCorp
Classification: Likely pathogenic for Lethal multiple pterygium syndrome. Last evaluated: 2025-01-08. Review status: criteria provided, single submitter. Criteria: LabCorp Variant Classification Summary - May 2015. Collection method: clinical testing. Allele origin: germline.
Comment: Variant summary: CHRNA1 c.44-1G>A is located in a canonical splice-site and is predicted to affect mRNA splicing resulting in a significantly altered protein due to either exon skipping, shortening, or inclusion of intronic material. Variants that disrupt the consensus splice site are a relatively common cause of aberrant splicing and loss of CHRNA1 function. Several computational tools predict a significant impact on normal splicing: Four predict the variant abolishes a 3' acceptor site. However, these predictions have yet to be confirmed by functional studies. The variant was absent in 250352 control chromosomes (gnomAD). To our knowledge, no occurrence of c.44-1G>A in individuals affected with Lethal Multiple Pterygium Syndrome - CHRNA1 Related and no experimental evidence demonstrating its impact on protein function have been reported. ClinVar contains an entry for this variant (Variation ID: 2573644). Based on the evidence outlined above, the variant was classified as likely pathogenic.

NM_000079.4(CHRNA1):c.44-1G>A

Gene: CHRNA1 (cholinergic receptor nicotinic alpha 1 subunit; minus strand). Cytogenetic location: 2q31.1.
Variant type: single nucleotide variant.
Coding change: c.44-1G>A on transcript NM_000079.4 (MANE Select); the canonical splice acceptor site of the intron before coding-DNA position 44, G replaced by A.
Molecular consequence: splice acceptor variant.
Genome position (GRCh38, 1-based): chr2:174,759,634, C>T on the plus strand (G>A on the coding strand, the complement: CHRNA1 is on the minus strand). VCF-style: chr2-174759634-C-T. GRCh37 (hg19) VCF-style: chr2-175624362-C-T.
Other names: c.44-1G>A (NM_001039523.3).
Identifiers: ClinVar variation 2573644 (VCV002573644.2), dbSNP rs1574011727, ClinGen allele CA349344822.